The following is an entry in ClinVar:

NM_019032.6(ADAMTSL4):c.1160G>C (p.Arg387Pro)

Genes: ADAMTSL4 (ADAMTS like 4; plus strand), ADAMTSL4-AS2 (ADAMTSL4 antisense RNA 2; minus strand). Cytogenetic location: 1q21.2.
Variant type: single nucleotide variant.
Coding change: c.1160G>C on transcript NM_019032.6 (MANE Select); coding-DNA position 1160, G replaced by C.
Protein change: p.Arg387Pro; replaces arginine 387 with proline.
Molecular consequence: missense variant.
Genome position (GRCh38, 1-based): chr1:150,554,393, G>C. VCF-style: chr1-150554393-G-C. GRCh37 (hg19) VCF-style: chr1-150526869-G-C.
Other names: c.1160G>C, p.Arg387Pro (NM_001288607.2, NM_001288608.2, NM_001378596.1 and 1 more transcripts); short protein forms R387P.
Identifiers: ClinVar variation 1434298 (VCV001434298.6), dbSNP rs906984629, ClinGen allele CA342304491.

ClinVar aggregate classification (germline): Uncertain significance (1 of 4 stars; one submission).

Submission:

Labcorp Genetics (formerly Invitae), Labcorp
Classification: Uncertain significance. Last evaluated: 2022-03-09. Review status: criteria provided, single submitter. Criteria: Invitae Variant Classification Sherloc (09022015). Collection method: clinical testing. Allele origin: germline.
Comment: In summary, the available evidence is currently insufficient to determine the role of this variant in disease. Therefore, it has been classified as a Variant of Uncertain Significance. Algorithms developed to predict the effect of missense changes on protein structure and function (SIFT, PolyPhen-2, Align-GVGD) all suggest that this variant is likely to be disruptive. This variant has not been reported in the literature in individuals affected with ADAMTSL4-related conditions. This variant is not present in population databases (gnomAD no frequency). This sequence change replaces arginine, which is basic and polar, with proline, which is neutral and non-polar, at codon 387 of the ADAMTSL4 protein (p.Arg387Pro).